The following is an entry in ClinVar:

ClinVar aggregate classification (germline): Likely benign (1 of 4 stars; one submission).

Conditions:
Leigh syndrome (NULS). Also called: Leigh's necrotizing encephalopathy; Leigh's disease; Leigh Syndrome (mtDNA deletion); Leigh Disease; Subacute necrotizing encephalopathy; Necrotizing encephalopathy infantile subacute of Leigh. Identifiers: Orphanet 506, MedGen C2931891, MONDO:0009723, OMIM 256000.

Submission:

Wong Mito Lab, Molecular and Human Genetics, Baylor College of Medicine
Classification: Likely benign for Leigh syndrome. Last evaluated: 2019-10-17. Review status: criteria provided, single submitter. Criteria: Modified ACMG Guidelines (Unpublished). Collection method: clinical testing. Allele origin: germline.
Comment: The NC_012920.1:m.5331C>G (YP_003024027.1:p.Leu288Val) variant in MTND2 gene is interpretated to be a Likely Benign variant based on the modified ACMG guidelines (unpublished). This variant meets the following evidence codes: BS4, BP4

NC_012920.1(MT-ND2):m.5331C>G

Gene: MT-ND2 (mitochondrially encoded NADH dehydrogenase 2; plus strand).
Variant type: single nucleotide variant.
Genome position: chrM-5331-C-G.
Identifiers: ClinVar variation 692584 (VCV000692584.1), dbSNP rs200778062, ClinGen allele CA414779858.